The following is an entry in ClinVar:

ClinVar aggregate classification (germline): Uncertain significance (1 of 4 stars; one submission).

Submission:

Labcorp Genetics (formerly Invitae), Labcorp
Classification: Uncertain significance. Last evaluated: 2025-03-01. Review status: criteria provided, single submitter. Criteria: Invitae Variant Classification Sherloc (09022015). Collection method: clinical testing. Allele origin: germline.
Comment: This sequence change creates a premature translational stop signal (p.His966Serfs*34) in the MTOR gene. It is expected to result in an absent or disrupted protein product. However, the current clinical and genetic evidence is not sufficient to establish whether loss-of-function variants in MTOR cause disease. This variant is not present in population databases (gnomAD no frequency). This variant has not been reported in the literature in individuals affected with MTOR-related conditions. In summary, the available evidence is currently insufficient to determine the role of this variant in disease. Therefore, it has been classified as a Variant of Uncertain Significance.

NM_004958.4(MTOR):c.2895dup (p.His966fs)

Gene: MTOR (mechanistic target of rapamycin kinase; minus strand). Cytogenetic location: 1p36.22.
Variant type: Duplication.
Coding change: c.2895dup on transcript NM_004958.4 (MANE Select); coding-DNA position 2895, one base duplicated (T; older notation c.2895dupT).
Protein change: p.His966fs; shifts the reading frame from histidine 966.
Molecular consequence: frameshift variant.
Genome position (GRCh38, 1-based): chr1:11,228,803, A duplicated on the plus strand (T on the coding strand, the reverse complement: MTOR is on the minus strand). VCF-style (leftmost placement, unchanged base first): chr1-11228802-G-GA. GRCh37 (hg19) VCF-style: chr1-11288859-G-GA.
Other names: c.2895dup, p.His966fs (NM_001386500.1); c.1647dup, p.His550fs (NM_001386501.1); short protein forms H550fs, H966fs.
Identifiers: ClinVar variation 4714142 (VCV004714142.1).